The following is an entry in ClinVar:

ClinVar aggregate classification (germline): Conflicting classifications of pathogenicity. Review status: criteria provided, conflicting classifications (1 of 4 stars). 5 submissions from 5 submitters: Uncertain significance (2); Likely benign (3). Last evaluated 2024-06-05.

Conditions:
Breast-ovarian cancer, familial, susceptibility to, 1 (BROVCA1). Also called: BRCA1 Hereditary Breast and Ovarian Cancer; OVARIAN CANCER, SUSCEPTIBILITY TO. Identifiers: Orphanet 145, MedGen C2676676, MONDO:0011450, OMIM 604370. Disease mechanism: loss of function.
Hereditary breast ovarian cancer syndrome. Also called: Hereditary breast and ovarian cancer syndrome; Breast and ovarian cancer; Hereditary breast and ovarian cancer syndrome (HBOC); Hereditary breast and/or ovarian cancer syndrome; BRCA1- and BRCA2-Associated Hereditary Breast and Ovarian Cancer; Hereditary breast and ovarian cancer. Identifiers: Orphanet 145, MedGen C0677776, MeSH D061325, MONDO:0003582. Disease mechanism: loss of function.
Hereditary cancer-predisposing syndrome. Also called: Neoplastic Syndromes, Hereditary; Hereditary neoplastic syndrome; Hereditary Cancer Syndrome; Tumor predisposition. Identifiers: Orphanet 140162, MedGen C0027672, MeSH D009386, MONDO:0015356.

Allele frequency attached by ClinVar (database versions not stated): TOPMed below 0.00001; gnomAD 0.00001.
gnomAD v4.1: 1 of 1,613,690 alleles (0.000062%); highest among the groups gnomAD compares: Admixed American, 0.0017%; no homozygotes.

Submissions (6):

Myriad Genetics, Inc.
Classification: Likely benign for Breast-ovarian cancer, familial, susceptibility to, 1. Last evaluated: 2024-06-05. Review status: criteria provided, single submitter. Criteria: Myriad Autosomal Dominant, Autosomal Recessive and X-Linked Classification Criteria (2023). Collection method: clinical testing. Allele origin: unknown.
Comment: This variant is considered likely benign. This variant is intronic and is not expected to impact mRNA splicing. This variant is strongly associated with less severe personal and family histories of cancer, typical for individuals without pathogenic variants in this gene [PMID: 25085752].

GeneDx
Classification: Uncertain significance. Last evaluated: 2023-10-09. Review status: criteria provided, single submitter. Criteria: GeneDx Variant Classification Process June 2021. Collection method: clinical testing. Allele origin: germline. Affected: yes.
Comment: Published functional studies demonstrate no damaging effect: variant classified as functional based on a saturation genome editing (SGE) assay measuring cell survival (Findlay et al., 2018); Not observed at significant frequency in large population cohorts (gnomAD); In silico analysis is inconclusive as to whether the variant alters gene splicing. In the absence of RNA/functional studies, the actual effect of this sequence change is unknown.; Also known as 5194-3C>T or IVS17-3C>T; This variant is associated with the following publications: (PMID: 30209399)

Labcorp Genetics (formerly Invitae), Labcorp
Classification: Uncertain significance for Hereditary breast ovarian cancer syndrome. Last evaluated: 2022-12-24. Review status: criteria provided, single submitter. Criteria: Invitae Variant Classification Sherloc (09022015). Collection method: clinical testing. Allele origin: germline.
Comment: In summary, the available evidence is currently insufficient to determine the role of this variant in disease. Therefore, it has been classified as a Variant of Uncertain Significance. Variants that disrupt the consensus splice site are a relatively common cause of aberrant splicing (PMID: 17576681, 9536098). Algorithms developed to predict the effect of sequence changes on RNA splicing suggest that this variant may disrupt the consensus splice site. Experimental studies are conflicting or provide insufficient evidence to determine the effect of this variant on BRCA1 function (PMID: 30209399). Algorithms developed to predict the effect of variants on protein structure and function are not available or were not evaluated for this variant. ClinVar contains an entry for this variant (Variation ID: 384512). This variant has not been reported in the literature in individuals affected with BRCA1-related conditions. This variant is present in population databases (no rsID available, gnomAD 0.1%). This sequence change falls in intron 16 of the BRCA1 gene. It does not directly change the encoded amino acid sequence of the BRCA1 protein. It affects a nucleotide within the consensus splice site.

Color Diagnostics, LLC DBA Color Health
Classification: Likely benign for Hereditary cancer-predisposing syndrome. Last evaluated: 2022-08-01. Review status: criteria provided, single submitter. Criteria: ACMG Guidelines, 2015. Collection method: clinical testing. Allele origin: germline.

Ambry Genetics
Classification: Likely benign for Hereditary cancer-predisposing syndrome. Last evaluated: 2021-08-30. Review status: criteria provided, single submitter. Criteria: Ambry Variant Classification Scheme 2023. Collection method: clinical testing. Allele origin: germline.

Brotman Baty Institute, University of Washington
No classification provided (evidence only). Condition: Breast-ovarian cancer, familial 1. Review status: no classification provided. Collection method: in vitro. Allele origin: not applicable. Functional consequence: functionally_normal. Not counted in ClinVar's aggregate classification.
ClinVar note: "not provided" was previously submitted as the classification for the variant. However, the classification appeared to be based only on an observation of functional data so it was converted to no classification on 2025-07-30.

Literature cited by the submitters: PubMed 25085752 (cited by Myriad Genetics, Inc.); PubMed 17576681 (cited by Labcorp Genetics (formerly Invitae), Labcorp); PubMed 9536098 (cited by Labcorp Genetics (formerly Invitae), Labcorp); PubMed 30209399 (cited by Labcorp Genetics (formerly Invitae), Labcorp and Ambry Genetics).

NM_007294.4(BRCA1):c.5075-3C>T

Gene: BRCA1 (BRCA1 DNA repair associated; minus strand). Cytogenetic location: 17q21.31.
Variant type: single nucleotide variant.
Coding change: c.5075-3C>T on transcript NM_007294.4 (MANE Select); 3 bases into the intron before coding-DNA position 5075, C replaced by T.
Molecular consequence: intron variant.
Genome position (GRCh38, 1-based): chr17:43,063,954, G>A on the plus strand (C>T on the coding strand, the complement: BRCA1 is on the minus strand). VCF-style: chr17-43063954-G-A. GRCh37 (hg19) VCF-style: chr17-41215971-G-A.
Other names: c.1622-3C>T (NM_001408458.1, NM_001408461.1, NM_001408464.1 and 7 more transcripts); c.4184-3C>T (NM_001407967.1); c.4694-3C>T (NM_001407959.1); c.4808-3C>T (NM_001407931.1, NM_001407932.1, NM_001407928.1 and 4 more transcripts); c.4931-3C>T (NM_001407747.1, NM_001407745.1, NM_001407737.1 and 21 more transcripts); c.4691-3C>T (NM_001407962.1, NM_001407960.1); c.1262-3C>T (NM_001408512.1); c.1385-3C>T (NM_001408510.1); and 73 more.
Identifiers: ClinVar variation 384512 (VCV000384512.19), dbSNP rs398122690, ClinGen allele CA16607660.